The following is an entry in ClinVar:

ClinVar aggregate classification (germline): Pathogenic. Review status: criteria provided, multiple submitters, no conflicts (2 of 4 stars). 2 submissions from 2 submitters: Pathogenic (2). Last evaluated 2019-02-22.

Conditions:
X-linked severe combined immunodeficiency (SCIDX1). Also called: IMMUNODEFICIENCY 4; SCID, X-LINKED; SEVERE COMBINED IMMUNODEFICIENCY, X-LINKED, T CELL-NEGATIVE, B CELL-POSITIVE, NK CELL-NEGATIVE; T-B+ severe combined immunodeficiency due to gamma chain deficiency; X-Linked Combined Immunodeficiency Diseases. Identifiers: Orphanet 276, MedGen C6022468, MONDO:0010315, OMIM 300400. Disease mechanism: loss of function.

Submissions (2):

Labcorp Genetics (formerly Invitae), Labcorp
Classification: Pathogenic for X-linked severe combined immunodeficiency. Last evaluated: 2019-02-22. Review status: criteria provided, single submitter. Criteria: Invitae Variant Classification Sherloc (09022015). Collection method: clinical testing. Allele origin: germline.
Comment: For these reasons, this variant has been classified as Pathogenic. Donor and acceptor splice site variants typically lead to a loss of protein function (PMID: 16199547), and loss-of-function variants in IL2RG are known to be pathogenic (PMID: 9058718, 10794430). Disruption of this splice site has been has been observed in several individuals affected with severe combined immunodeficiency (PMID: 10794430, Invitae). ClinVar contains an entry for this variant (Variation ID: 280937). This variant is not present in population databases (ExAC no frequency). This sequence change affects an acceptor splice site in intron 5 of the IL2RG gene. It is expected to disrupt RNA splicing and likely results in an absent or disrupted protein product.

GeneDx
Classification: Pathogenic. Last evaluated: 2016-10-17. Review status: criteria provided, single submitter. Criteria: GeneDx Variant Classification (06012015). Collection method: clinical testing. Allele origin: germline. Affected: yes.
Comment: The c.758-1 G>A splice site variant in the IL2RG gene destroys the canonical splice acceptor site in intron 5. It is predicted to cause abnormal gene splicing, either leading to an abnormal message that is subject to nonsense-mediated mRNA decay, or to an abnormal protein product if the message is used for protein translation. The variant was not observed in approximately 6,500 individuals of European and African American ancestry in the NHLBI Exome Sequencing Project, indicating it is not a common benign variant in these populations. Although this pathogenic variant has not been previously reported to our knowledge, we consider it to be pathogenic.

Literature cited by the submitters: PubMed 16199547 (cited by Labcorp Genetics (formerly Invitae), Labcorp); PubMed 9058718 (cited by Labcorp Genetics (formerly Invitae), Labcorp); PubMed 10794430 (cited by Labcorp Genetics (formerly Invitae), Labcorp).

NM_000206.3(IL2RG):c.758-1G>A

Gene: IL2RG (interleukin 2 receptor subunit gamma; minus strand). Cytogenetic location: Xq13.1.
Variant type: single nucleotide variant.
Coding change: c.758-1G>A on transcript NM_000206.3 (MANE Select); the canonical splice acceptor site of the intron before coding-DNA position 758, G replaced by A.
Molecular consequence: splice acceptor variant.
Genome position (GRCh38, 1-based): chrX:71,108,696, C>T on the plus strand (G>A on the coding strand, the complement: IL2RG is on the minus strand). VCF-style: chrX-71108696-C-T. GRCh37 (hg19) VCF-style: chrX-70328546-C-T.
Identifiers: ClinVar variation 280937 (VCV000280937.13), dbSNP rs886042051, ClinGen allele CA10603506.
Genomic context (GRCh38, chrX:71,108,696, plus strand): 5'-TCAATCCCATGGAGCCAACAGAGATAACCACGGCTTCCAATGCAAACAGGAAAGGATTCT[C>T]TATAGAAAAAAGAAAAGCAAAGTGGACCTTATATTTGTTGTGCCCCTACTACATGCCAGG-3'